The following is an entry in ClinVar:

ClinVar aggregate classification (germline): Uncertain significance. Review status: criteria provided, multiple submitters, no conflicts (2 of 4 stars). 5 submissions from 5 submitters: Uncertain significance (5). Last evaluated 2026-02-11.

Conditions:
NPHP1-related disorder. Also called: NPHP1-related disorders; NPHP1-related condition.
Nephronophthisis. Also called: Juvenile Nephronophthisis. Identifiers: Orphanet 655, MedGen C0687120, MONDO:0019005, HP:0000090.
Senior-Loken syndrome 1 (SLSN1). Also called: JUVENILE NEPHRONOPHTHISIS WITH LEBER AMAUROSIS. Identifiers: Orphanet 3156, MedGen C4551559, MONDO:0009962, OMIM 266900.
Joubert syndrome with renal defect. Also called: JOUBERT SYNDROME 4. Identifiers: Orphanet 220497, MedGen C1846790, MONDO:0012308, OMIM 609583.
Nephronophthisis 1 (NPHP1). Also called: Nephronophthisis familial juvenile. Identifiers: Orphanet 655, Orphanet 93592, MedGen C1855681, MONDO:0009728, OMIM 256100.

Allele frequency attached by ClinVar (database versions not stated): gnomAD exomes 0.00001 and 0.00004; ExAC 0.00004; ESP Exome Variant Server 0.00008; TOPMed 0.00008; gnomAD 0.00009; 1000 Genomes Project 30x 0.00031; 1000 Genomes Project 0.00040.
gnomAD v4.1: 23 of 1,613,402 alleles (0.0014%); highest among the groups gnomAD compares: African/African-American, 0.029%; no homozygotes.

Submissions (5):

PreventionGenetics, part of Exact Sciences
Classification: Uncertain significance for NPHP1-related condition. Last evaluated: 2026-02-11. Review status: criteria provided, single submitter. Criteria: ACMG Guidelines, 2015. Collection method: clinical testing. Allele origin: germline.
Comment: The NPHP1 c.493G>A variant is predicted to result in the amino acid substitution p.Ala165Thr. To our knowledge, this variant has not been reported in the literature. This variant is reported in 0.052% of alleles in individuals of African descent in gnomAD, which may be too frequent to be a primary cause of disease. Although we suspect that this variant may be benign, at this time, the clinical significance of this variant is uncertain due to the absence of conclusive functional and genetic evidence.

Blueprint Genetics
Classification: Uncertain significance. Last evaluated: 2024-11-25. Review status: criteria provided, single submitter. Criteria: ACMG Guidelines, 2015. Collection method: clinical testing. Allele origin: germline.

Fulgent Genetics
Classification: Uncertain significance for Nephronophthisis 1; Senior-Loken syndrome 1; Joubert syndrome with renal defect. Last evaluated: 2024-03-05. Review status: criteria provided, single submitter. Criteria: ACMG Guidelines, 2015. Collection method: clinical testing. Allele origin: germline.

Labcorp Genetics (formerly Invitae), Labcorp
Classification: Uncertain significance for Nephronophthisis. Last evaluated: 2022-08-23. Review status: criteria provided, single submitter. Criteria: Invitae Variant Classification Sherloc (09022015). Collection method: clinical testing. Allele origin: germline.
Comment: This sequence change replaces alanine, which is neutral and non-polar, with threonine, which is neutral and polar, at codon 165 of the NPHP1 protein (p.Ala165Thr). This variant is present in population databases (rs377676279, gnomAD 0.05%). This variant has not been reported in the literature in individuals affected with NPHP1-related conditions. ClinVar contains an entry for this variant (Variation ID: 498548). Algorithms developed to predict the effect of missense changes on protein structure and function output the following: SIFT: "Deleterious"; PolyPhen-2: "Possibly Damaging"; Align-GVGD: "Class C0". The threonine amino acid residue is found in multiple mammalian species, which suggests that this missense change does not adversely affect protein function. In summary, the available evidence is currently insufficient to determine the role of this variant in disease. Therefore, it has been classified as a Variant of Uncertain Significance.

Eurofins Ntd Llc (ga)
Classification: Uncertain significance. Last evaluated: 2016-12-19. Review status: criteria provided, single submitter. Criteria: EGL Classification Definitions 2015. Collection method: clinical testing. Allele origin: germline. Observed: 1 variant allele, 1 heterozygote.

NM_001128178.3(NPHP1):c.493G>A (p.Ala165Thr)

Gene: NPHP1 (nephrocystin 1; minus strand). Cytogenetic location: 2q13.
Variant type: single nucleotide variant.
Coding change: c.493G>A on transcript NM_001128178.3 (MANE Select); coding-DNA position 493, G replaced by A.
Protein change: p.Ala165Thr; replaces alanine 165 with threonine.
Molecular consequence: missense variant.
Genome position (GRCh38, 1-based): chr2:110,169,835, C>T on the plus strand (G>A on the coding strand, the complement: NPHP1 is on the minus strand). VCF-style: chr2-110169835-C-T. GRCh37 (hg19) VCF-style: chr2-110927412-C-T.
Other names: c.493G>A (NM_000272.3); c.493G>A, p.Ala165Thr (NM_000272.5, NM_001374256.1, NM_001374257.1 and 1 more transcripts); c.307G>A, p.Ala103Thr (NM_001128179.3); short protein forms A165T, A103T.
Identifiers: ClinVar variation 498548 (VCV000498548.12), dbSNP rs377676279, ClinGen allele CA1827383.